The following is an entry in ClinVar:

ClinVar aggregate classification (germline): Uncertain significance. Review status: criteria provided, multiple submitters, no conflicts (2 of 4 stars). 3 submissions from 3 submitters: Uncertain significance (3). Last evaluated 2025-08-05.

Conditions:
Combined immunodeficiency due to LRBA deficiency. Also called: Common variable immunodeficiency 8, with autoimmunity. Identifiers: Orphanet 445018, MedGen C3553512, MONDO:0013863, OMIM 614700.
Inborn genetic diseases. Identifiers: MedGen C0950123, MeSH D030342.

Allele frequency attached by ClinVar (database versions not stated): gnomAD below 0.00001; 1000 Genomes Project 30x 0.00016; 1000 Genomes Project 0.00020.
gnomAD v4.1: 55 of 1,599,036 alleles (0.0034%); highest among the groups gnomAD compares: South Asian, 0.033%; no homozygotes.

Submissions (3):

Ambry Genetics
Classification: Uncertain significance for Inborn genetic diseases. Last evaluated: 2025-08-05. Review status: criteria provided, single submitter. Criteria: Ambry Variant Classification Scheme 2023. Collection method: clinical testing. Allele origin: germline.

Genomic Medicine Center of Excellence, King Faisal Specialist Hospital and Research Centre
Classification: Uncertain significance for Combined immunodeficiency due to LRBA deficiency. Last evaluated: 2024-03-25. Review status: criteria provided, single submitter. Criteria: ACMG Guidelines, 2015. Collection method: clinical testing. Allele origin: germline.

Labcorp Genetics (formerly Invitae), Labcorp
Classification: Uncertain significance for Combined immunodeficiency due to LRBA deficiency. Last evaluated: 2022-11-22. Review status: criteria provided, single submitter. Criteria: Invitae Variant Classification Sherloc (09022015). Collection method: clinical testing. Allele origin: germline.
Comment: ClinVar contains an entry for this variant (Variation ID: 644136). In summary, the available evidence is currently insufficient to determine the role of this variant in disease. Therefore, it has been classified as a Variant of Uncertain Significance. Advanced modeling of protein sequence and biophysical properties (such as structural, functional, and spatial information, amino acid conservation, physicochemical variation, residue mobility, and thermodynamic stability) performed at Invitae indicates that this missense variant is not expected to disrupt LRBA protein function. This variant has not been reported in the literature in individuals affected with LRBA-related conditions. The frequency data for this variant in the population databases is considered unreliable, as metrics indicate poor data quality at this position in the gnomAD database. This sequence change replaces alanine, which is neutral and non-polar, with valine, which is neutral and non-polar, at codon 2704 of the LRBA protein (p.Ala2704Val).

NM_001364905.1(LRBA):c.8078C>T (p.Ala2693Val)

Gene: LRBA (LPS responsive beige-like anchor protein; minus strand). Cytogenetic location: 4q31.3.
Variant type: single nucleotide variant.
Coding change: c.8078C>T on transcript NM_001364905.1 (MANE Select); coding-DNA position 8078, C replaced by T.
Protein change: p.Ala2693Val; replaces alanine 2693 with valine.
Molecular consequence: missense variant.
Genome position (GRCh38, 1-based): chr4:150,285,974, G>A on the plus strand (C>T on the coding strand, the complement: LRBA is on the minus strand). VCF-style: chr4-150285974-G-A. GRCh37 (hg19) VCF-style: chr4-151207126-G-A.
Other names: c.8075C>T, p.Ala2692Val (NM_001199282.3); c.8093C>T, p.Ala2698Val (NM_001367550.1); c.8111C>T, p.Ala2704Val (NM_006726.5); short protein forms A2693V, A2698V, A2692V, A2704V.
Identifiers: ClinVar variation 644136 (VCV000644136.12), dbSNP rs562981599, ClinGen allele CA3101444.